The following is an entry in ClinVar:

NM_001458.5(FLNC):c.2165G>T (p.Gly722Val)

Gene: FLNC (filamin C; plus strand). Cytogenetic location: 7q32.1.
Variant type: single nucleotide variant.
Coding change: c.2165G>T on transcript NM_001458.5 (MANE Select); coding-DNA position 2165, G replaced by T.
Protein change: p.Gly722Val; replaces glycine 722 with valine.
Molecular consequence: missense variant.
Genome position (GRCh38, 1-based): chr7:128,842,274, G>T. VCF-style: chr7-128842274-G-T. GRCh37 (hg19) VCF-style: chr7-128482328-G-T.
Other names: c.2165G>T, p.Gly722Val (NM_001127487.2); short protein forms G722V.
Identifiers: ClinVar variation 3763089 (VCV003763089.2).

ClinVar aggregate classification (germline): Uncertain significance (1 of 4 stars; one submission).

Conditions:
Hypertrophic cardiomyopathy 26. Also called: Cardiomyopathy, familial hypertrophic, 26. Identifiers: Orphanet 75249, MedGen C4310749, MONDO:0014883, OMIM 617047.
Myofibrillar myopathy 5. Also called: Filaminopathy (type); FILAMINOPATHY, AUTOSOMAL DOMINANT. Identifiers: Orphanet 171445, MedGen C1836050, MONDO:0012289, OMIM 609524.
Distal myopathy with posterior leg and anterior hand involvement. Also called: WILLIAMS DISTAL MYOPATHY. Identifiers: Orphanet 63273, MedGen C3279722, MONDO:0013550, OMIM 614065.

gnomAD v4.1: 2 of 1,613,662 alleles (0.00012%); highest among the groups gnomAD compares: East Asian, 0.0022%; no homozygotes.

Submission:

Labcorp Genetics (formerly Invitae), Labcorp
Classification: Uncertain significance for Distal myopathy with posterior leg and anterior hand involvement; Myofibrillar myopathy 5; Hypertrophic cardiomyopathy 26. Last evaluated: 2024-11-03. Review status: criteria provided, single submitter. Criteria: Invitae Variant Classification Sherloc (09022015). Collection method: clinical testing. Allele origin: germline.
Comment: This sequence change replaces glycine, which is neutral and non-polar, with valine, which is neutral and non-polar, at codon 722 of the FLNC protein (p.Gly722Val). This variant is present in population databases (rs765898127, gnomAD 0.003%). This variant has not been reported in the literature in individuals affected with FLNC-related conditions. Invitae Evidence Modeling of protein sequence and biophysical properties (such as structural, functional, and spatial information, amino acid conservation, physicochemical variation, residue mobility, and thermodynamic stability) has been performed for this missense variant. However, the output from this modeling did not meet the statistical confidence thresholds required to predict the impact of this variant on FLNC protein function. In summary, the available evidence is currently insufficient to determine the role of this variant in disease. Therefore, it has been classified as a Variant of Uncertain Significance.